The following is an entry in ClinVar:

NM_000531.6(OTC):c.646C>G (p.Gln216Glu)

Gene: OTC (ornithine transcarbamylase; plus strand). Cytogenetic location: Xp11.4.
Variant type: single nucleotide variant.
Coding change: c.646C>G on transcript NM_000531.6 (MANE Select); coding-DNA position 646, C replaced by G.
Protein change: p.Gln216Glu; replaces glutamine 216 with glutamic acid.
Molecular consequence: missense variant.
Genome position (GRCh38, 1-based): chrX:38,403,723, C>G. VCF-style: chrX-38403723-C-G. GRCh37 (hg19) VCF-style: chrX-38262976-C-G.
Other names: short protein forms Q216E.
Identifiers: ClinVar variation 10990 (VCV000010990.4), dbSNP rs72558423, ClinGen allele CA224724.

ClinVar aggregate classification (germline): Pathogenic. Review status: no assertion criteria provided (0 of 4 stars). 2 submissions from 2 submitters: Pathogenic (2). Last evaluated 1989-08-01.

Conditions:
Ornithine carbamoyltransferase deficiency (OTCD). Also called: ORNITHINE TRANSCARBAMYLASE DEFICIENCY, HYPERAMMONEMIA DUE TO; OTC DEFICIENCY; ORNITHINE TRANSCARBAMYLASE DEFICIENCY; Ornithine Carbamoyltransferase Deficiency Disease. Identifiers: Orphanet 664, MedGen C0268542, MONDO:0010703, OMIM 311250.

Submissions (2):

OMIM
Classification: Pathogenic for ORNITHINE TRANSCARBAMYLASE DEFICIENCY. Last evaluated: 1989-08-01. Review status: no assertion criteria provided. Collection method: literature only. Allele origin: germline.

GenMed Metabolism Lab
Classification: Pathogenic. Review status: no assertion criteria provided. Collection method: not provided. Allele origin: unknown.
Comment: p.Gln216Glu, Neonatal
ClinVar note: Converted during submission from pathogenic to Pathogenic.

Literature cited by the submitters: PubMed 2474822 (cited by OMIM).